The following is an entry in ClinVar:

NM_001353694.2(TIAM1):c.739G>A (p.Gly247Arg)

Gene: TIAM1 (TIAM Rac1 associated GEF 1; minus strand). Cytogenetic location: 21q22.11.
Variant type: single nucleotide variant.
Coding change: c.739G>A on transcript NM_001353694.2 (MANE Select); coding-DNA position 739, G replaced by A.
Protein change: p.Gly247Arg; replaces glycine 247 with arginine.
Molecular consequence: missense variant.
Genome position (GRCh38, 1-based): chr21:31,266,234, C>T on the plus strand (G>A on the coding strand, the complement: TIAM1 is on the minus strand). VCF-style: chr21-31266234-C-T. GRCh37 (hg19) VCF-style: chr21-32638550-C-T.
Other names: c.739G>A, p.Gly247Arg (NM_001353686.2, NM_001353687.2, NM_001353688.1 and 6 more transcripts); short protein forms G247R.
Identifiers: ClinVar variation 3060489 (VCV003060489.2), dbSNP rs2070418, ClinGen allele CA9998600.

ClinVar aggregate classification (germline): Benign (0 of 4 stars; one submission).

Conditions:
TIAM1-related disorder. Also called: TIAM1-related condition.

Allele frequency attached by ClinVar (database versions not stated): ESP Exome Variant Server 0.06751; gnomAD 0.11506; TOPMed 0.11929; 1000 Genomes Project 30x 0.20487; 1000 Genomes Project 0.21346.
gnomAD v4.1: 201,320 of 1,614,036 alleles (12%); highest among the groups gnomAD compares: East Asian, 38%; 17,294 homozygotes.

Submission:

PreventionGenetics, part of Exact Sciences
Classification: Benign for TIAM1-related condition. Last evaluated: 2019-10-31. Review status: no assertion criteria provided. Collection method: clinical testing. Allele origin: germline.
Comment: This variant is classified as benign based on ACMG/AMP sequence variant interpretation guidelines (Richards et al. 2015 PMID: 25741868, with internal and published modifications).